The following is an entry in ClinVar:

ClinVar aggregate classification (germline): Uncertain significance (1 of 4 stars; one submission).

Conditions:
Citrin deficiency. Identifiers: Orphanet 247582, MedGen C1997910, MONDO:0016602.

Submission:

Labcorp Genetics (formerly Invitae), Labcorp
Classification: Uncertain significance for Citrin deficiency. Last evaluated: 2020-01-20. Review status: criteria provided, single submitter. Criteria: Invitae Variant Classification Sherloc (09022015). Collection method: clinical testing. Allele origin: germline.
Comment: This variant results in the deletion of part of exon 16 and all of exon 17 (c.1666_1842-31del) of the SLC25A13 gene. While this is not anticipated to result in nonsense mediated decay, it likely alters RNA splicing and results in a disrupted protein product. This variant is not present in population databases (ExAC no frequency). This variant has been observed in individual(s) with neonatal intrahepatic cholestasis (PMID: 16311094). Experimental studies and prediction algorithms are not available or were not evaluated, and the effect of this variant on mRNA splicing is currently unknown. In summary, the available evidence is currently insufficient to determine the role of this variant in disease. Therefore, it has been classified as a Variant of Uncertain Significance.

Literature cited by the submitters: PubMed 16311094.

NM_014251.3(SLC25A13):c.1666_1842-31del

Gene: SLC25A13 (solute carrier family 25 member 13; minus strand). Cytogenetic location: 7q21.3.
Variant type: Deletion.
Coding change: c.1666_1842-31del on transcript NM_014251.3 (MANE Select); coding-DNA position 1666 through 31 bases into the intron before coding-DNA position 1842, 516 bases deleted.
Molecular consequence: splice acceptor variant, splice donor variant.
Genome position (GRCh38, 1-based): chr7:96,121,408-96,121,923, 516 bases deleted. GRCh37 (hg19): chr7:95,750,721-95,751,236.
Other names: c.1669_1845-31del (NM_001160210.2).
Identifiers: ClinVar variation 1054965 (VCV001054965.2), dbSNP rs2116381204, ClinGen allele CA2499219079.